The following is an entry in ClinVar:

ClinVar aggregate classification (germline): Uncertain significance (1 of 4 stars; one submission).

Submission:

Labcorp Genetics (formerly Invitae), Labcorp
Classification: Uncertain significance. Last evaluated: 2025-08-10. Review status: criteria provided, single submitter. Criteria: Invitae Variant Classification Sherloc (09022015). Collection method: clinical testing. Allele origin: germline.
Comment: This sequence change replaces glutamine, which is neutral and polar, with histidine, which is basic and polar, at codon 1805 of the KAT6A protein (p.Gln1805His). This variant is not present in population databases (gnomAD no frequency). This variant has not been reported in the literature in individuals affected with KAT6A-related conditions. Invitae Evidence Modeling of protein sequence and biophysical properties (such as structural, functional, and spatial information, amino acid conservation, physicochemical variation, residue mobility, and thermodynamic stability) indicates that this missense variant is not expected to disrupt KAT6A protein function with a negative predictive value of 95%. In summary, the available evidence is currently insufficient to determine the role of this variant in disease. Therefore, it has been classified as a Variant of Uncertain Significance.

NM_006766.5(KAT6A):c.5415A>T (p.Gln1805His)

Gene: KAT6A (lysine acetyltransferase 6A; minus strand). Cytogenetic location: 8p11.21.
Variant type: single nucleotide variant.
Coding change: c.5415A>T on transcript NM_006766.5 (MANE Select); coding-DNA position 5415, A replaced by T.
Protein change: p.Gln1805His; replaces glutamine 1805 with histidine.
Molecular consequence: missense variant.
Genome position (GRCh38, 1-based): chr8:41,932,805, T>A on the plus strand (A>T on the coding strand, the complement: KAT6A is on the minus strand). VCF-style: chr8-41932805-T-A. GRCh37 (hg19) VCF-style: chr8-41790323-T-A.
Other names: short protein forms Q1805H.
Identifiers: ClinVar variation 4747367 (VCV004747367.1).